The following is an entry in ClinVar:

ClinVar aggregate classification (germline): Uncertain significance (1 of 4 stars; one submission).

Conditions:
Joubert syndrome. Also called: CEREBELLOPARENCHYMAL DISORDER IV; JOUBERT-BOLTSHAUSER SYNDROME; Familial aplasia of the vermis. Identifiers: Orphanet 475, MedGen C5979921, MONDO:0018772.
Meckel-Gruber syndrome. Also called: DYSENCEPHALIA SPLANCHNOCYSTICA; GRUBER SYNDROME; Dysencephalia splachnocystica. Identifiers: Orphanet 564, MedGen C0265215, MONDO:0018921.

Submission:

Labcorp Genetics (formerly Invitae), Labcorp
Classification: Uncertain significance for Joubert syndrome; Meckel-Gruber syndrome. Last evaluated: 2023-01-21. Review status: criteria provided, single submitter. Criteria: Invitae Variant Classification Sherloc (09022015). Collection method: clinical testing. Allele origin: germline.
Comment: In summary, the available evidence is currently insufficient to determine the role of this variant in disease. Therefore, it has been classified as a Variant of Uncertain Significance. Advanced modeling of protein sequence and biophysical properties (such as structural, functional, and spatial information, amino acid conservation, physicochemical variation, residue mobility, and thermodynamic stability) performed at Invitae indicates that this missense variant is expected to disrupt TMEM67 protein function. This variant has not been reported in the literature in individuals affected with TMEM67-related conditions. This variant is not present in population databases (gnomAD no frequency). This sequence change replaces phenylalanine, which is neutral and non-polar, with leucine, which is neutral and non-polar, at codon 589 of the TMEM67 protein (p.Phe589Leu).

NM_153704.6(TMEM67):c.1765T>C (p.Phe589Leu)

Gene: TMEM67 (transmembrane protein 67; plus strand). Cytogenetic location: 8q22.1.
Variant type: single nucleotide variant.
Coding change: c.1765T>C on transcript NM_153704.6 (MANE Select); coding-DNA position 1765, T replaced by C.
Protein change: p.Phe589Leu; replaces phenylalanine 589 with leucine.
Molecular consequence: missense variant. On other transcripts: non-coding transcript variant (1).
Genome position (GRCh38, 1-based): chr8:93,795,499, T>C. VCF-style: chr8-93795499-T-C. GRCh37 (hg19) VCF-style: chr8-94807727-T-C.
Other names: c.1522T>C, p.Phe508Leu (NM_001142301.1); short protein forms F589L, F508L.
Identifiers: ClinVar variation 2943496 (VCV002943496.3), dbSNP rs1328032153, ClinGen allele CA371692473.